The following is an entry in ClinVar:

ClinVar aggregate classification (germline): Uncertain significance (1 of 4 stars; one submission).

Conditions:
Generalized epilepsy with febrile seizures plus, type 7 (GEFSP7). Also called: GEFS+, TYPE 7. Identifiers: Orphanet 36387, MedGen C2751778, MONDO:0013470, OMIM 613863.
Neuropathy, hereditary sensory and autonomic, type 2A (HSAN2A). Also called: ACROOSTEOLYSIS, GIACCAI TYPE; ACROOSTEOLYSIS, NEUROGENIC; MORVAN DISEASE; WNK1-Related HSAN2 (HSAN2A); NEUROPATHY, CONGENITAL SENSORY; NEUROPATHY, HEREDITARY SENSORY RADICULAR, AUTOSOMAL RECESSIVE. Identifiers: Orphanet 970, MedGen C2752089, MONDO:0024309, OMIM 201300.

gnomAD v4.1: 2 of 1,584,266 alleles (0.00013%); highest among the groups gnomAD compares: South Asian, 0.0012%; no homozygotes.

Submission:

Labcorp Genetics (formerly Invitae), Labcorp
Classification: Uncertain significance for Neuropathy, hereditary sensory and autonomic, type 2A; Generalized epilepsy with febrile seizures plus, type 7. Last evaluated: 2021-04-30. Review status: criteria provided, single submitter. Criteria: Invitae Variant Classification Sherloc (09022015). Collection method: clinical testing. Allele origin: germline.
Comment: This sequence change replaces arginine with glycine at codon 996 of the SCN9A protein (p.Arg996Gly). The arginine residue is moderately conserved and there is a moderate physicochemical difference between arginine and glycine. This variant is present in population databases (rs121908910, ExAC 0.008%). This variant has not been reported in the literature in individuals with SCN9A-related conditions. Algorithms developed to predict the effect of missense changes on protein structure and function (SIFT, PolyPhen-2, Align-GVGD) all suggest that this variant is likely to be tolerated, but these predictions have not been confirmed by published functional studies and their clinical significance is uncertain. Algorithms developed to predict the effect of sequence changes on RNA splicing suggest that this variant may create or strengthen a splice site, but this prediction has not been confirmed by published transcriptional studies. In summary, the available evidence is currently insufficient to determine the role of this variant in disease. Therefore, it has been classified as a Variant of Uncertain Significance.

NM_001365536.1(SCN9A):c.3019C>G (p.Arg1007Gly)

Genes: SCN9A (sodium voltage-gated channel alpha subunit 9; minus strand), SCN1A-AS1 (SCN1A and SCN9A antisense RNA 1; plus strand). Cytogenetic location: 2q24.3.
Variant type: single nucleotide variant.
Coding change: c.3019C>G on transcript NM_001365536.1 (MANE Select); coding-DNA position 3019, C replaced by G.
Protein change: p.Arg1007Gly; replaces arginine 1007 with glycine.
Molecular consequence: missense variant.
Genome position (GRCh38, 1-based): chr2:166,272,731, G>C on the plus strand (C>G on the coding strand, the complement: SCN9A is on the minus strand). VCF-style: chr2-166272731-G-C. GRCh37 (hg19) VCF-style: chr2-167129241-G-C.
Other names: c.2986C>G, p.Arg996Gly (NM_002977.4); short protein forms R1007G, R996G.
Identifiers: ClinVar variation 1424057 (VCV001424057.8), dbSNP rs121908910, ClinGen allele CA1944154.